The following is an entry in ClinVar:

NM_001277115.2(DNAH11):c.4012-3C>A

Gene: DNAH11 (dynein axonemal heavy chain 11; plus strand). Cytogenetic location: 7p15.3.
Variant type: single nucleotide variant.
Coding change: c.4012-3C>A on transcript NM_001277115.2 (MANE Select); 3 bases into the intron before coding-DNA position 4012, C replaced by A.
Molecular consequence: intron variant.
Genome position (GRCh38, 1-based): chr7:21,616,206, C>A. VCF-style: chr7-21616206-C-A. GRCh37 (hg19) VCF-style: chr7-21655824-C-A.
Identifiers: ClinVar variation 1037837 (VCV001037837.9), dbSNP rs1216609671, ClinGen allele CA1693568319.

ClinVar aggregate classification (germline): Uncertain significance (1 of 4 stars; one submission).

Conditions:
Primary ciliary dyskinesia. Also called: Ciliary dyskinesia. Identifiers: Orphanet 244, MedGen C0008780, MONDO:0016575, HP:0012265.

Submission:

Labcorp Genetics (formerly Invitae), Labcorp
Classification: Uncertain significance for Primary ciliary dyskinesia. Last evaluated: 2022-11-15. Review status: criteria provided, single submitter. Criteria: Invitae Variant Classification Sherloc (09022015). Collection method: clinical testing. Allele origin: germline.
Comment: This sequence change falls in intron 21 of the DNAH11 gene. It does not directly change the encoded amino acid sequence of the DNAH11 protein. It affects a nucleotide within the consensus splice site. In summary, the available evidence is currently insufficient to determine the role of this variant in disease. Therefore, it has been classified as a Variant of Uncertain Significance. Variants that disrupt the consensus splice site are a relatively common cause of aberrant splicing (PMID: 17576681, 9536098). Algorithms developed to predict the effect of sequence changes on RNA splicing suggest that this variant may disrupt the consensus splice site. ClinVar contains an entry for this variant (Variation ID: 1037837). This variant has not been reported in the literature in individuals affected with DNAH11-related conditions. This variant is not present in population databases (gnomAD no frequency).

Literature cited by the submitters: PubMed 17576681; PubMed 9536098.